The following is an entry in ClinVar:

NM_003721.4(RFXANK):c.28C>G (p.Leu10Val)

Gene: RFXANK (regulatory factor X associated ankyrin containing protein; plus strand). Cytogenetic location: 19p13.11.
Variant type: single nucleotide variant.
Coding change: c.28C>G on transcript NM_003721.4 (MANE Select); coding-DNA position 28, C replaced by G.
Protein change: p.Leu10Val; replaces leucine 10 with valine.
Molecular consequence: missense variant.
Genome position (GRCh38, 1-based): chr19:19,193,974, C>G. VCF-style: chr19-19193974-C-G. GRCh37 (hg19) VCF-style: chr19-19304783-C-G.
Other names: c.28C>G, p.Leu10Val (NM_001278727.2, NM_001278728.2, NM_001370233.1 and 6 more transcripts); short protein forms L10V.
Identifiers: ClinVar variation 1512079 (VCV001512079.8), dbSNP rs2060549059, ClinGen allele CA404889290.
Genomic context (GRCh38, chr19:19,193,974, plus strand): 5'-TCTCCCCTTCTGACACCTCCGCCAGCTTTCCCCATGGAGCTTACCCAGCCTGCAGAAGAC[C>G]TCATCCAGACCCAGCAGACCCCTGCCTCAGAACTTGGGGACCCTGAAGACCCCGGAGAGG-3'
Protein context (NP_003712.1, residues 1-20): MELTQPAED[Leu10Val]IQTQQTPASE

ClinVar aggregate classification (germline): Uncertain significance (1 of 4 stars; one submission).

Conditions:
MHC class II deficiency. Also called: Bare lymphocyte syndrome 2; BLS, TYPE II. Identifiers: Orphanet 572, MedGen C5447452, MONDO:0008855.

gnomAD v4.1: 2 of 1,614,248 alleles (0.00012%); highest among the groups gnomAD compares: Non-Finnish European, 0.00017%; no homozygotes.

Submission:

Labcorp Genetics (formerly Invitae), Labcorp
Classification: Uncertain significance for MHC class II deficiency. Last evaluated: 2022-11-22. Review status: criteria provided, single submitter. Criteria: Invitae Variant Classification Sherloc (09022015). Collection method: clinical testing. Allele origin: germline.
Comment: This variant is not present in population databases (gnomAD no frequency). This sequence change replaces leucine, which is neutral and non-polar, with valine, which is neutral and non-polar, at codon 10 of the RFXANK protein (p.Leu10Val). This variant has not been reported in the literature in individuals affected with RFXANK-related conditions. In summary, the available evidence is currently insufficient to determine the role of this variant in disease. Therefore, it has been classified as a Variant of Uncertain Significance. Algorithms developed to predict the effect of missense changes on protein structure and function (SIFT, PolyPhen-2, Align-GVGD) all suggest that this variant is likely to be tolerated. ClinVar contains an entry for this variant (Variation ID: 1512079).